The following is an entry in ClinVar:

ClinVar aggregate classification (germline): Pathogenic (1 of 4 stars; one submission).

Conditions:
Hypertrophic cardiomyopathy 26. Also called: Cardiomyopathy, familial hypertrophic, 26. Identifiers: Orphanet 75249, MedGen C4310749, MONDO:0014883, OMIM 617047.
Myofibrillar myopathy 5. Also called: FILAMINOPATHY, AUTOSOMAL DOMINANT; Filaminopathy (type). Identifiers: Orphanet 171445, MedGen C1836050, MONDO:0012289, OMIM 609524.
Distal myopathy with posterior leg and anterior hand involvement. Also called: WILLIAMS DISTAL MYOPATHY. Identifiers: Orphanet 63273, MedGen C3279722, MONDO:0013550, OMIM 614065.

Submission:

Labcorp Genetics (formerly Invitae), Labcorp
Classification: Pathogenic for Distal myopathy with posterior leg and anterior hand involvement; Myofibrillar myopathy 5; Hypertrophic cardiomyopathy 26. Last evaluated: 2019-07-24. Review status: criteria provided, single submitter. Criteria: Invitae Variant Classification Sherloc (09022015). Collection method: clinical testing. Allele origin: germline.
Comment: For these reasons, this variant has been classified as Pathogenic. Loss-of-function variants in FLNC are known to be pathogenic (PMID: 27908349). This variant has not been reported in the literature in individuals with FLNC-related conditions. This variant is not present in population databases (ExAC no frequency). This sequence change creates a premature translational stop signal (p.Ala838Argfs*40) in the FLNC gene. It is expected to result in an absent or disrupted protein product.

Literature cited by the submitters: PubMed 27908349.

NM_001458.5(FLNC):c.2508del (p.Ala838fs)

Gene: FLNC (filamin C; plus strand). Cytogenetic location: 7q32.1.
Variant type: Deletion.
Coding change: c.2508del on transcript NM_001458.5 (MANE Select); coding-DNA position 2508, one base deleted (A; older notation c.2508delA).
Protein change: p.Ala838fs; shifts the reading frame from alanine 838.
Molecular consequence: frameshift variant.
Genome position (GRCh38, 1-based): chr7:128,842,912, A deleted. VCF-style (leftmost placement, unchanged base first): chr7-128842911-CA-C. GRCh37 (hg19) VCF-style: chr7-128482965-CA-C.
Other names: c.2508del, p.Ala838fs (NM_001127487.2); short protein forms A838fs.
Identifiers: ClinVar variation 958547 (VCV000958547.8), dbSNP rs1808400430, ClinGen allele CA1139660250.